The following is an entry in ClinVar:

ClinVar aggregate classification (germline): Uncertain significance (1 of 4 stars; one submission).

Conditions:
Epidermolysis bullosa simplex 3, localized or generalized intermediate, with BP230 deficiency (EBS3). Also called: Epidermolysis bullosa simplex due to BP230 deficiency; Epidermolysis bullosa simplex, autosomal recessive 2. Identifiers: Orphanet 412181, MedGen C3809470, MONDO:0014180, OMIM 615425.
Hereditary sensory and autonomic neuropathy type 6. Also called: Neuropathy, hereditary sensory and autonomic, type VI; HSAN VI. Identifiers: Orphanet 314381, MedGen C3539003, MONDO:0013839, OMIM 614653.

Allele frequency attached by ClinVar (database versions not stated): TOPMed 0.00006.
gnomAD v4.1: 53 of 1,613,172 alleles (0.0033%); highest among the groups gnomAD compares: Non-Finnish European, 0.0031%; no homozygotes.

Submission:

Labcorp Genetics (formerly Invitae), Labcorp
Classification: Uncertain significance for Epidermolysis bullosa simplex 3, localized or generalized intermediate, with BP230 deficiency; Hereditary sensory and autonomic neuropathy type 6. Last evaluated: 2022-07-12. Review status: criteria provided, single submitter. Criteria: Invitae Variant Classification Sherloc (09022015). Collection method: clinical testing. Allele origin: germline.
Comment: This sequence change replaces arginine, which is basic and polar, with tryptophan, which is neutral and slightly polar, at codon 759 of the DST protein (p.Arg759Trp). This variant is present in population databases (rs200853096, gnomAD 0.03%). This variant has not been reported in the literature in individuals affected with DST-related conditions. ClinVar contains an entry for this variant (Variation ID: 639415). Algorithms developed to predict the effect of missense changes on protein structure and function (SIFT, PolyPhen-2, Align-GVGD) all suggest that this variant is likely to be disruptive. In summary, the available evidence is currently insufficient to determine the role of this variant in disease. Therefore, it has been classified as a Variant of Uncertain Significance.

NM_001374736.1(DST):c.3886C>T (p.Arg1296Trp)

Gene: DST (dystonin; minus strand). Cytogenetic location: 6p12.1.
Variant type: single nucleotide variant.
Coding change: c.3886C>T on transcript NM_001374736.1 (MANE Select); coding-DNA position 3886, C replaced by T.
Protein change: p.Arg1296Trp; replaces arginine 1296 with tryptophan.
Molecular consequence: missense variant.
Genome position (GRCh38, 1-based): chr6:56,631,960, G>A on the plus strand (C>T on the coding strand, the complement: DST is on the minus strand). VCF-style: chr6-56631960-G-A. GRCh37 (hg19) VCF-style: chr6-56496758-G-A.
Other names: c.3787C>T, p.Arg1263Trp (NM_001144769.5); c.3373C>T, p.Arg1125Trp (NM_001144770.2); c.3886C>T, p.Arg1296Trp (NM_001374722.1); c.3253C>T, p.Arg1085Trp (NM_001374729.1, NM_001374730.1, NM_001386100.1 and 1 more transcripts); c.3913C>T, p.Arg1305Trp (NM_001374734.1); c.2275C>T, p.Arg759Trp (NM_001723.7, NM_015548.5); short protein forms R1263W, R759W, R1125W, R1085W, R1296W, R1305W.
Identifiers: ClinVar variation 639415 (VCV000639415.6), dbSNP rs200853096, ClinGen allele CA3871034.